The following is an entry in ClinVar:

NM_001128148.3(TFRC):c.679A>G (p.Thr227Ala)

Gene: TFRC (transferrin receptor; minus strand). Cytogenetic location: 3q29.
Variant type: single nucleotide variant.
Coding change: c.679A>G on transcript NM_001128148.3 (MANE Select); coding-DNA position 679, A replaced by G.
Protein change: p.Thr227Ala; replaces threonine 227 with alanine.
Molecular consequence: missense variant. On other transcripts: 5 prime UTR variant (1).
Genome position (GRCh38, 1-based): chr3:196,071,404, T>C on the plus strand (A>G on the coding strand, the complement: TFRC is on the minus strand). VCF-style: chr3-196071404-T-C. GRCh37 (hg19) VCF-style: chr3-195798275-T-C.
Other names: c.436A>G, p.Thr146Ala (NM_001313965.2); c.-168A>G (NM_001313966.2); c.679A>G, p.Thr227Ala (NM_003234.4); short protein forms T146A, T227A.
Identifiers: ClinVar variation 2992962 (VCV002992962.3), dbSNP rs758632718, ClinGen allele CA2778231.

ClinVar aggregate classification (germline): Uncertain significance (1 of 4 stars; one submission).

Allele frequency attached by ClinVar (database versions not stated): ExAC 0.00002.
gnomAD v4.1: 3 of 1,613,906 alleles (0.00019%); highest among the groups gnomAD compares: Non-Finnish European, 0.00025%; no homozygotes.

Submission:

Labcorp Genetics (formerly Invitae), Labcorp
Classification: Uncertain significance. Last evaluated: 2023-03-23. Review status: criteria provided, single submitter. Criteria: Invitae Variant Classification Sherloc (09022015). Collection method: clinical testing. Allele origin: germline.
Comment: This variant is present in population databases (rs758632718, gnomAD 0.002%). This sequence change replaces threonine, which is neutral and polar, with alanine, which is neutral and non-polar, at codon 227 of the TFRC protein (p.Thr227Ala). This variant has not been reported in the literature in individuals affected with TFRC-related conditions. In summary, the available evidence is currently insufficient to determine the role of this variant in disease. Therefore, it has been classified as a Variant of Uncertain Significance. Advanced modeling of protein sequence and biophysical properties (such as structural, functional, and spatial information, amino acid conservation, physicochemical variation, residue mobility, and thermodynamic stability) performed at Invitae indicates that this missense variant is not expected to disrupt TFRC protein function.